The following is an entry in ClinVar:

ClinVar aggregate classification (germline): Uncertain significance (1 of 4 stars; one submission).

Conditions:
Neuronal ceroid lipofuscinosis. Also called: Neuronal Ceroid Lipofuscinoses. Identifiers: Orphanet 216, Orphanet 79263, MedGen C0027877, MONDO:0016295. Disease mechanism: loss of function.

Submission:

Labcorp Genetics (formerly Invitae), Labcorp
Classification: Uncertain significance for Neuronal ceroid lipofuscinosis. Last evaluated: 2022-06-25. Review status: criteria provided, single submitter. Criteria: Invitae Variant Classification Sherloc (09022015). Collection method: clinical testing. Allele origin: germline.
Comment: This sequence change replaces alanine, which is neutral and non-polar, with serine, which is neutral and polar, at codon 38 of the CLN6 protein (p.Ala38Ser). In summary, the available evidence is currently insufficient to determine the role of this variant in disease. Therefore, it has been classified as a Variant of Uncertain Significance. Algorithms developed to predict the effect of missense changes on protein structure and function output the following: SIFT: "Tolerated"; PolyPhen-2: "Benign"; Align-GVGD: "Class C0". The serine amino acid residue is found in multiple mammalian species, which suggests that this missense change does not adversely affect protein function. This variant has not been reported in the literature in individuals affected with CLN6-related conditions. This variant is not present in population databases (gnomAD no frequency).

NM_017882.3(CLN6):c.112G>T (p.Ala38Ser)

Gene: CLN6 (CLN6 transmembrane ER protein; minus strand). Cytogenetic location: 15q23.
Variant type: single nucleotide variant.
Coding change: c.112G>T on transcript NM_017882.3 (MANE Select); coding-DNA position 112, G replaced by T.
Protein change: p.Ala38Ser; replaces alanine 38 with serine.
Molecular consequence: missense variant.
Genome position (GRCh38, 1-based): chr15:68,218,622, C>A on the plus strand (G>T on the coding strand, the complement: CLN6 is on the minus strand). VCF-style: chr15-68218622-C-A. GRCh37 (hg19) VCF-style: chr15-68510960-C-A.
Other names: c.208G>T, p.Ala70Ser (NM_001411068.1); short protein forms A38S, A70S.
Identifiers: ClinVar variation 2083716 (VCV002083716.4), dbSNP rs2505421906, ClinGen allele CA392975852.